The following is an entry in ClinVar:

ClinVar aggregate classification (germline): Uncertain significance (1 of 4 stars; one submission).

Conditions:
Neuropathy, hereditary sensory and autonomic, type 1C. Also called: HSAN IC; HSN IC. Identifiers: Orphanet 36386, MedGen C3150896, MONDO:0013337, OMIM 613640.

Submission:

Labcorp Genetics (formerly Invitae), Labcorp
Classification: Uncertain significance for Neuropathy, hereditary sensory and autonomic, type 1C. Last evaluated: 2022-03-08. Review status: criteria provided, single submitter. Criteria: Invitae Variant Classification Sherloc (09022015). Collection method: clinical testing. Allele origin: germline.
Comment: In summary, the available evidence is currently insufficient to determine the role of this variant in disease. Therefore, it has been classified as a Variant of Uncertain Significance. Algorithms developed to predict the effect of missense changes on protein structure and function (SIFT, PolyPhen-2, Align-GVGD) all suggest that this variant is likely to be tolerated. This variant has not been reported in the literature in individuals affected with SPTLC2-related conditions. This variant is not present in population databases (gnomAD no frequency). This sequence change replaces glutamic acid, which is acidic and polar, with glutamine, which is neutral and polar, at codon 221 of the SPTLC2 protein (p.Glu221Gln).

NM_004863.4(SPTLC2):c.661G>C (p.Glu221Gln)

Gene: SPTLC2 (serine palmitoyltransferase long chain base subunit 2; minus strand). Cytogenetic location: 14q24.3.
Variant type: single nucleotide variant.
Coding change: c.661G>C on transcript NM_004863.4 (MANE Select); coding-DNA position 661, G replaced by C.
Protein change: p.Glu221Gln; replaces glutamic acid 221 with glutamine.
Molecular consequence: missense variant.
Genome position (GRCh38, 1-based): chr14:77,570,479, C>G on the plus strand (G>C on the coding strand, the complement: SPTLC2 is on the minus strand). VCF-style: chr14-77570479-C-G. GRCh37 (hg19) VCF-style: chr14-78036822-C-G.
Other names: short protein forms E221Q.
Identifiers: ClinVar variation 2107576 (VCV002107576.4), dbSNP rs2079675445, ClinGen allele CA390712901.